The following is an entry in ClinVar:

ClinVar aggregate classification (germline): Benign. Review status: criteria provided, multiple submitters, no conflicts (2 of 4 stars). 2 submissions from 2 submitters: Benign (2). Last evaluated 2018-06-14.

Allele frequency attached by ClinVar (database versions not stated): gnomAD exomes 0.00434; gnomAD 0.03882 and 0.04162; TOPMed 0.04412; 1000 Genomes Project 0.04513; 1000 Genomes Project 30x 0.04778.
gnomAD v4.1: 8,646 of 752,932 alleles (1.1%); highest among the groups gnomAD compares: African/African-American, 13%; 523 homozygotes.

Submissions (2):

GeneDx
Classification: Benign. Last evaluated: 2018-06-14. Review status: criteria provided, single submitter. Criteria: GeneDx Variant Classification (06012015). Collection method: clinical testing. Allele origin: germline. Affected: yes.
Comment: This variant is considered likely benign or benign based on one or more of the following criteria: it is a conservative change, it occurs at a poorly conserved position in the protein, it is predicted to be benign by multiple in silico algorithms, and/or has population frequency not consistent with disease.

Breakthrough Genomics
Classification: Benign. Review status: criteria provided, single submitter. Criteria: ACMG Guidelines, 2015. Collection method: not provided. Allele origin: germline. Inheritance: Autosomal recessive inheritance. Affected: yes.

NM_032578.4(MYPN):c.1079-131A>G

Gene: MYPN (myopalladin; plus strand). Cytogenetic location: 10q21.3.
Variant type: single nucleotide variant.
Coding change: c.1079-131A>G on transcript NM_032578.4 (MANE Select); 131 bases into the intron before coding-DNA position 1079, A replaced by G.
Molecular consequence: intron variant.
Genome position (GRCh38, 1-based): chr10:68,145,344, A>G. VCF-style: chr10-68145344-A-G. GRCh37 (hg19) VCF-style: chr10-69905101-A-G.
Other names: c.1079-131A>G (NM_001256267.2); c.197-131A>G (NM_001256268.2).
Identifiers: ClinVar variation 675665 (VCV000675665.2), dbSNP rs16925151, ClinGen allele CA208180355.